The following is an entry in ClinVar:

ClinVar aggregate classification (germline): Benign. Review status: criteria provided, multiple submitters, no conflicts (2 of 4 stars). 5 submissions from 5 submitters: Benign (4). 1 of the submissions does not count toward it. Last evaluated 2026-02-02.

Allele frequency attached by ClinVar (database versions not stated): 1000 Genomes Project 30x 0.22064; 1000 Genomes Project 0.22204; TOPMed 0.26291; gnomAD 0.27889 and 0.27981; ESP Exome Variant Server 0.29443; gnomAD exomes 0.31358; ExAC 0.32468.
gnomAD v4.1: 522,843 of 1,569,206 alleles (33%); highest among the groups gnomAD compares: Non-Finnish European, 36%; 90,804 homozygotes.

Submissions (5):

Labcorp Genetics (formerly Invitae), Labcorp
Classification: Benign. Last evaluated: 2026-02-02. Review status: criteria provided, single submitter. Criteria: Invitae Variant Classification Sherloc (09022015). Collection method: clinical testing. Allele origin: germline.

Blueprint Genetics
Classification: Benign. Last evaluated: 2024-11-27. Review status: criteria provided, single submitter. Criteria: ACMG Guidelines, 2015. Collection method: clinical testing. Allele origin: germline.

Unidad de Genómica Garrahan, Hospital de Pediatría Garrahan
Classification: Benign. Last evaluated: 2024-07-31. Review status: criteria provided, single submitter. Criteria: ACMG Guidelines, 2015. Collection method: clinical testing. Allele origin: germline. Affected: no. Observed: 47 variant alleles.
Comment: This variant is classified as Benign based on local population frequency. This variant was detected in 51% of patients studied in a panel designed for Epileptic and Developmental Encephalopathy, Progressive Myoclonus Epilepsy and Abnormal Movements and Neurodegeneration with brain iron accumulation. Number of patients: 47. Only high quality variants are reported.

GeneDx
Classification: Benign. Last evaluated: 2015-12-16. Review status: criteria provided, single submitter. Criteria: GeneDx Variant Classification (06012015). Collection method: clinical testing. Allele origin: germline. Affected: yes.
Comment: This variant is considered likely benign or benign based on one or more of the following criteria: it is a conservative change, it occurs at a poorly conserved position in the protein, it is predicted to be benign by multiple in silico algorithms, and/or has population frequency not consistent with disease.

Mayo Clinic Laboratories, Mayo Clinic
Classification: Benign. Last evaluated: 2016-02-19. Review status: no assertion criteria provided. Collection method: clinical testing. Allele origin: unknown. Not counted in ClinVar's aggregate classification.

NM_020442.6(VARS2):c.1288C>T (p.Leu430=)

Gene: VARS2 (valyl-tRNA synthetase 2, mitochondrial; plus strand). Cytogenetic location: 6p21.33.
Variant type: single nucleotide variant.
Coding change: c.1288C>T on transcript NM_020442.6 (MANE Select); coding-DNA position 1288, C replaced by T.
Protein change: p.Leu430=; no amino-acid change (leucine 430 retained).
Molecular consequence: synonymous variant.
Genome position (GRCh38, 1-based): chr6:30,920,211, C>T. VCF-style: chr6-30920211-C-T. GRCh37 (hg19) VCF-style: chr6-30887988-C-T.
Other names: c.868C>T, p.Leu290= (NM_001167733.3); c.1378C>T, p.Leu460= (NM_001167734.2).
Identifiers: ClinVar variation 380153 (VCV000380153.16), dbSNP rs2249459, ClinGen allele CA3705860.